The following is an entry in ClinVar:

ClinVar aggregate classification (germline): Pathogenic/Likely pathogenic. Review status: criteria provided, multiple submitters, no conflicts (2 of 4 stars). 5 submissions from 5 submitters: Pathogenic (4); Likely pathogenic (1). Last evaluated 2025-10-28.

Conditions:
Nephronophthisis. Also called: Juvenile Nephronophthisis. Identifiers: Orphanet 655, MedGen C0687120, MONDO:0019005, HP:0000090.
Joubert syndrome. Also called: Familial aplasia of the vermis; JOUBERT-BOLTSHAUSER SYNDROME. Identifiers: Orphanet 475, MedGen C5979921, MONDO:0018772.
Meckel-Gruber syndrome. Also called: Dysencephalia splachnocystica; DYSENCEPHALIA SPLANCHNOCYSTICA; GRUBER SYNDROME. Identifiers: Orphanet 564, MedGen C0265215, MONDO:0018921.
Joubert syndrome 5 (JBTS5). Identifiers: Orphanet 2318, MedGen C1857780, MONDO:0012432, OMIM 610188.
Bardet-Biedl syndrome 14 (BBS14). Identifiers: Orphanet 110, MedGen C2673874, MONDO:0014442, OMIM 615991.
Meckel syndrome, type 4 (MKS4). Also called: MECKEL-GRUBER SYNDROME, TYPE 4. Identifiers: Orphanet 564, MedGen C1970161, MONDO:0012626, OMIM 611134.
Senior-Loken syndrome 6 (SLSN6). Identifiers: Orphanet 3156, MedGen C1857779, MONDO:0012433, OMIM 610189.
Leber congenital amaurosis 10 (LCA10). Identifiers: Orphanet 65, MedGen C1857821, MONDO:0012723, OMIM 611755.
CEP290-related disorder. Also called: CEP290-related disorders; CEP290-related condition. Identifiers: MedGen CN239314.

Submissions (5):

PreventionGenetics, part of Exact Sciences
Classification: Pathogenic for CEP290-related condition. Last evaluated: 2025-10-28. Review status: criteria provided, single submitter. Criteria: ACMG Guidelines, 2015. Collection method: clinical testing. Allele origin: germline.
Comment: The CEP290 c.1830delA variant is predicted to result in a frameshift and premature protein termination (p.Glu610Aspfs*7). This variant has been documented causative for Leber congenital amaurosis (LCA) (Wiszniewski et al. 2011. PubMed ID: 21153841). This variant is reported in 0.0013% of alleles in individuals of European (Non-Finnish) descent in gnomAD. Frameshift variants in CEP290 are expected to be pathogenic. This variant is interpreted as pathogenic.

Labcorp Genetics (formerly Invitae), Labcorp
Classification: Pathogenic for Joubert syndrome; Meckel-Gruber syndrome; Nephronophthisis. Last evaluated: 2025-03-04. Review status: criteria provided, single submitter. Criteria: Invitae Variant Classification Sherloc (09022015). Collection method: clinical testing. Allele origin: germline.
Comment: This sequence change creates a premature translational stop signal (p.Glu610Aspfs*7) in the CEP290 gene. It is expected to result in an absent or disrupted protein product. Loss-of-function variants in CEP290 are known to be pathogenic (PMID: 16909394, 17345604, 20690115). This variant is present in population databases (no rsID available, gnomAD 0.001%). This premature translational stop signal has been observed in individual(s) with clinical features of Leber congenital amaurosis (PMID: 21153841). ClinVar contains an entry for this variant (Variation ID: 1457703). For these reasons, this variant has been classified as Pathogenic.

Baylor Genetics
Classification: Pathogenic for Bardet-Biedl syndrome 14. Last evaluated: 2024-02-22. Review status: criteria provided, single submitter. Criteria: ACMG Guidelines, 2015. Collection method: clinical testing. Allele origin: unknown.

Blueprint Genetics
Classification: Likely pathogenic for CEP290-related disorders. Last evaluated: 2022-12-20. Review status: criteria provided, single submitter. Criteria: ACMG Guidelines, 2015. Collection method: clinical testing. Allele origin: germline. Affected: yes. Observed: 3 variant alleles.

Fulgent Genetics
Classification: Pathogenic for Joubert syndrome 5; Senior-Loken syndrome 6; Meckel syndrome, type 4; Leber congenital amaurosis 10; Bardet-Biedl syndrome 14. Last evaluated: 2022-01-05. Review status: criteria provided, single submitter. Criteria: ACMG Guidelines, 2015. Collection method: clinical testing. Allele origin: unknown.

Literature cited by the submitters: PubMed 16909394 (cited by Labcorp Genetics (formerly Invitae), Labcorp); PubMed 17345604 (cited by Labcorp Genetics (formerly Invitae), Labcorp); PubMed 20690115 (cited by Labcorp Genetics (formerly Invitae), Labcorp); PubMed 21153841 (cited by Labcorp Genetics (formerly Invitae), Labcorp).

NM_025114.4(CEP290):c.1830del (p.Glu610fs)

Gene: CEP290 (centrosomal protein 290; minus strand). Cytogenetic location: 12q21.32.
Variant type: Deletion.
Coding change: c.1830del on transcript NM_025114.4 (MANE Select); coding-DNA position 1830, one base deleted (A; older notation c.1830delA).
Protein change: p.Glu610fs; shifts the reading frame from glutamic acid 610.
Molecular consequence: frameshift variant.
Genome position (GRCh38, 1-based): chr12:88,115,177, T deleted on the plus strand (A on the coding strand, the reverse complement: CEP290 is on the minus strand); the first of 2 consecutive T bases (chr12:88,115,177-88,115,178); deleting either gives the same sequence. VCF-style (leftmost placement, unchanged base first): chr12-88115176-AT-A. GRCh37 (hg19) VCF-style: chr12-88508953-AT-A.
Other names: c.1830delA (NM_025114.3); short protein forms E610fs.
Identifiers: ClinVar variation 1457703 (VCV001457703.16), dbSNP rs992032116, ClinGen allele CA241149844.